The following is an entry in ClinVar:

NM_002839.4(PTPRD):c.3154-8C>G

Gene: PTPRD (protein tyrosine phosphatase receptor type D; minus strand). Cytogenetic location: 9p24.1.
Variant type: single nucleotide variant.
Coding change: c.3154-8C>G on transcript NM_002839.4 (MANE Select); 8 bases into the intron before coding-DNA position 3154, C replaced by G.
Molecular consequence: intron variant.
Genome position (GRCh38, 1-based): chr9:8,484,386, G>C on the plus strand (C>G on the coding strand, the complement: PTPRD is on the minus strand). VCF-style: chr9-8484386-G-C. GRCh37 (hg19) VCF-style: chr9-8484386-G-C.
Other names: c.1891-8C>G (NM_001171025.2); c.1903-8C>G (NM_001377946.1); c.3154-8C>G (NM_001378058.1); c.3157-8C>G (NM_001377958.1); c.1915-8C>G (NM_001377947.1); c.1921-8C>G (NM_130391.4, NM_130392.3); c.1912-8C>G (NM_001040712.2); c.1906-8C>G (NM_130393.3).
Identifiers: ClinVar variation 3045924 (VCV003045924.2), dbSNP rs372913161, ClinGen allele CA4983881.

ClinVar aggregate classification (germline): Likely benign (0 of 4 stars; one submission).

Conditions:
PTPRD-related disorder. Also called: PTPRD-related condition.

Allele frequency attached by ClinVar (database versions not stated): ExAC 0.00003; gnomAD 0.00007; ESP Exome Variant Server 0.00008; TOPMed 0.00008; 1000 Genomes Project 0.00020; 1000 Genomes Project 30x 0.00031.
gnomAD v4.1: 54 of 1,588,620 alleles (0.0034%); highest among the groups gnomAD compares: African/African-American, 0.012%; no homozygotes.

Submission:

PreventionGenetics, part of Exact Sciences
Classification: Likely benign for PTPRD-related condition. Last evaluated: 2019-10-30. Review status: no assertion criteria provided. Collection method: clinical testing. Allele origin: germline.
Comment: This variant is classified as likely benign based on ACMG/AMP sequence variant interpretation guidelines (Richards et al. 2015 PMID: 25741868, with internal and published modifications).